The following is an entry in ClinVar:

ClinVar aggregate classification (germline): Uncertain significance (1 of 4 stars; one submission).

gnomAD v4.1: 2 of 1,551,502 alleles (0.00013%); highest among the groups gnomAD compares: African/African-American, 0.0014%; no homozygotes.

Submission:

Labcorp Genetics (formerly Invitae), Labcorp
Classification: Uncertain significance. Last evaluated: 2021-09-19. Review status: criteria provided, single submitter. Criteria: Invitae Variant Classification Sherloc (09022015). Collection method: clinical testing. Allele origin: germline.
Comment: This sequence change replaces aspartic acid with glutamic acid at codon 41 of the KPNA7 protein (p.Asp41Glu). The aspartic acid residue is moderately conserved and there is a small physicochemical difference between aspartic acid and glutamic acid. This variant is not present in population databases (ExAC no frequency). This variant has not been reported in the literature in individuals affected with KPNA7-related conditions. Algorithms developed to predict the effect of missense changes on protein structure and function output the following: SIFT: "Tolerated"; PolyPhen-2: "Benign"; Align-GVGD: "Class C0". The glutamic acid amino acid residue is found in multiple mammalian species, which suggests that this missense change does not adversely affect protein function. In summary, the available evidence is currently insufficient to determine the role of this variant in disease. Therefore, it has been classified as a Variant of Uncertain Significance.

NM_001145715.3(KPNA7):c.123T>A (p.Asp41Glu)

Gene: KPNA7 (karyopherin subunit alpha 7; minus strand). Cytogenetic location: 7q22.1.
Variant type: single nucleotide variant.
Coding change: c.123T>A on transcript NM_001145715.3 (MANE Select); coding-DNA position 123, T replaced by A.
Protein change: p.Asp41Glu; replaces aspartic acid 41 with glutamic acid.
Molecular consequence: missense variant.
Genome position (GRCh38, 1-based): chr7:99,203,184, A>T on the plus strand (T>A on the coding strand, the complement: KPNA7 is on the minus strand). VCF-style: chr7-99203184-A-T. GRCh37 (hg19) VCF-style: chr7-98800807-A-T.
Other names: short protein forms D41E.
Identifiers: ClinVar variation 1461238 (VCV001461238.3), dbSNP rs767943846, ClinGen allele CA368421268.
Genomic context (GRCh38, chr7:99,203,184, plus strand): 5'-TTTTTCAGAAGGTGTGTCAGGGCAGAAGCTCGTGATATTCCTTCTCTTTAAGGTCTGTTC[A>T]TCTTTCTTGGCCTTTCGGAGCTCCAGACTGACCGCCATCCTCTGCTGTCGCCTCAGCTAG-3'
Protein context (NP_001139187.1, residues 31-51): VSLELRKAKK[Asp41Glu]EQTLKRRNIT